The following is an entry in ClinVar:

ClinVar aggregate classification (germline): Uncertain significance. Review status: criteria provided, multiple submitters, no conflicts (2 of 4 stars). 2 submissions from 2 submitters: Uncertain significance (2). Last evaluated 2026-03-13.

Conditions:
FGF8-related disorder. Also called: FGF8-related condition.
Inborn genetic diseases. Identifiers: MedGen C0950123, MeSH D030342.

Submissions (2):

PreventionGenetics, part of Exact Sciences
Classification: Uncertain significance for FGF8-related condition. Last evaluated: 2026-03-13. Review status: criteria provided, single submitter. Criteria: ACMG Guidelines, 2015. Collection method: clinical testing. Allele origin: germline.
Comment: The FGF8 c.688C>T variant is predicted to result in the amino acid substitution p.Arg230Cys. To our knowledge, this variant has not been reported in the literature. This variant is reported in 0.0040% of alleles in individuals of European (Non-Finnish) descent in gnomAD. At this time, the clinical significance of this variant is uncertain due to the absence of conclusive functional and genetic evidence.

Ambry Genetics
Classification: Uncertain significance for Inborn genetic diseases. Last evaluated: 2025-09-26. Review status: criteria provided, single submitter. Criteria: Ambry Variant Classification Scheme 2023. Collection method: clinical testing. Allele origin: germline.

NM_033163.5(FGF8):c.688C>T (p.Arg230Cys)

Gene: FGF8 (fibroblast growth factor 8; minus strand). Cytogenetic location: 10q24.32.
Variant type: single nucleotide variant.
Coding change: c.688C>T on transcript NM_033163.5 (MANE Select); coding-DNA position 688, C replaced by T.
Protein change: p.Arg230Cys; replaces arginine 230 with cysteine.
Molecular consequence: missense variant.
Genome position (GRCh38, 1-based): chr10:101,770,376, G>A on the plus strand (C>T on the coding strand, the complement: FGF8 is on the minus strand). VCF-style: chr10-101770376-G-A. GRCh37 (hg19) VCF-style: chr10-103530133-G-A.
Other names: c.376C>T, p.Arg126Cys (NM_001206389.2); c.601C>T, p.Arg201Cys (NM_006119.6); c.655C>T, p.Arg219Cys (NM_033164.4); c.568C>T, p.Arg190Cys (NM_033165.5); short protein forms R219C, R126C, R190C, R201C, R230C.
Identifiers: ClinVar variation 4619902 (VCV004619902.2).